The following is an entry in ClinVar:

ClinVar aggregate classification (germline): Likely benign (1 of 4 stars; one submission).

gnomAD v4.1: 31 of 1,614,212 alleles (0.0019%); highest among the groups gnomAD compares: Middle Eastern, 0.016%; no homozygotes.

Submission:

CeGaT Center for Human Genetics Tuebingen
Classification: Likely benign. Last evaluated: 2025-08-01. Review status: criteria provided, single submitter. Criteria: CeGaT Center For Human Genetics Tuebingen Variant Classification Criteria Version 2. Collection method: clinical testing. Allele origin: germline. Affected: yes. Observed: 1 variant allele.
Comment: NAXD: BP4, BP7

NM_001242882.2(NAXD):c.468G>A (p.Arg156=)

Gene: NAXD (NAD(P)HX dehydratase; plus strand). Cytogenetic location: 13q34.
Variant type: single nucleotide variant.
Coding change: c.468G>A on transcript NM_001242882.2 (MANE Select); coding-DNA position 468, G replaced by A.
Protein change: p.Arg156=; no amino-acid change (arginine 156 retained).
Molecular consequence: synonymous variant. On other transcripts: non-coding transcript variant (2).
Genome position (GRCh38, 1-based): chr13:110,634,571, G>A. VCF-style: chr13-110634571-G-A. GRCh37 (hg19) VCF-style: chr13-111286918-G-A.
Other names: c.522G>A, p.Arg174= (NM_001242881.2, NM_018210.4); c.192G>A, p.Arg64= (NM_001242883.2).
Identifiers: ClinVar variation 4084254 (VCV004084254.8).